The following is an entry in ClinVar:

ClinVar aggregate classification (germline): Likely pathogenic (1 of 4 stars; one submission).

Conditions:
Episodic ataxia type 1 (EA1). Also called: ATAXIA, EPISODIC, WITH MYOKYMIA; MYOKYMIA WITH PERIODIC ATAXIA; PAROXYSMAL ATAXIA WITH NEUROMYOTONIA, HEREDITARY; Episodic ataxia/myokymia syndrome. Identifiers: Orphanet 37612, Orphanet 972, MedGen C1719788, MONDO:0008047, OMIM 160120.

Submission:

Institute of Human Genetics, University of Leipzig Medical Center
Classification: Likely pathogenic for Episodic ataxia type 1. Last evaluated: 2023-06-27. Review status: criteria provided, single submitter. Criteria: ACMG Guidelines, 2015. Collection method: clinical testing. Allele origin: de novo. Inheritance: Autosomal dominant inheritance. Affected: yes.
Comment: Criteria applied: PM1,PM2_SUP,PP3, PS2_MOD

NM_000217.3(KCNA1):c.863T>A (p.Leu288Gln)

Gene: KCNA1 (potassium voltage-gated channel subfamily A member 1; plus strand). Cytogenetic location: 12p13.32.
Variant type: single nucleotide variant.
Coding change: c.863T>A on transcript NM_000217.3 (MANE Select); coding-DNA position 863, T replaced by A.
Protein change: p.Leu288Gln; replaces leucine 288 with glutamine.
Molecular consequence: missense variant.
Genome position (GRCh38, 1-based): chr12:4,912,241, T>A. VCF-style: chr12-4912241-T-A. GRCh37 (hg19) VCF-style: chr12-5021407-T-A.
Other names: short protein forms L288Q.
Identifiers: ClinVar variation 2576584 (VCV002576584.3), dbSNP rs2497353297, ClinGen allele CA383455511.